The following is an entry in ClinVar:

ClinVar aggregate classification (germline): Uncertain significance (1 of 4 stars; one submission).

Conditions:
Primary ciliary dyskinesia. Also called: Ciliary dyskinesia. Identifiers: Orphanet 244, MedGen C0008780, MONDO:0016575, HP:0012265.

gnomAD v4.1: 1 of 1,205,708 alleles (0.000083%); highest among the groups gnomAD compares: South Asian, 0.0018%; no homozygotes.

Submission:

Labcorp Genetics (formerly Invitae), Labcorp
Classification: Uncertain significance for Primary ciliary dyskinesia. Last evaluated: 2023-02-11. Review status: criteria provided, single submitter. Criteria: Invitae Variant Classification Sherloc (09022015). Collection method: clinical testing. Allele origin: germline.
Comment: This sequence change replaces histidine, which is basic and polar, with glutamine, which is neutral and polar, at codon 324 of the RPGR protein (p.His324Gln). This variant is not present in population databases (gnomAD no frequency). This variant has not been reported in the literature in individuals affected with RPGR-related conditions. Advanced modeling of protein sequence and biophysical properties (such as structural, functional, and spatial information, amino acid conservation, physicochemical variation, residue mobility, and thermodynamic stability) has been performed at Invitae for this missense variant, however the output from this modeling did not meet the statistical confidence thresholds required to predict the impact of this variant on RPGR protein function. In summary, the available evidence is currently insufficient to determine the role of this variant in disease. Therefore, it has been classified as a Variant of Uncertain Significance.

NM_001034853.2(RPGR):c.972C>G (p.His324Gln)

Gene: RPGR (retinitis pigmentosa GTPase regulator; minus strand). Cytogenetic location: Xp11.4.
Variant type: single nucleotide variant.
Coding change: c.972C>G on transcript NM_001034853.2 (MANE Select); coding-DNA position 972, C replaced by G.
Protein change: p.His324Gln; replaces histidine 324 with glutamine.
Molecular consequence: missense variant. On other transcripts: non-coding transcript variant (6).
Genome position (GRCh38, 1-based): chrX:38,301,334, G>C on the plus strand (C>G on the coding strand, the complement: RPGR is on the minus strand). VCF-style: chrX-38301334-G-C. GRCh37 (hg19) VCF-style: chrX-38160587-G-C.
Other names: c.972C>G, p.His324Gln (NM_001367251.1, NM_000328.3, NM_001367246.1 and 1 more transcripts); c.969C>G, p.His323Gln (NM_001367245.1, NM_001367249.1, NM_001367250.1); c.1002C>G, p.His334Gln (NM_001367248.1); short protein forms H323Q, H334Q, H324Q.
Identifiers: ClinVar variation 2836402 (VCV002836402.3), dbSNP rs771739225, ClinGen allele CA412740331.